The following is an entry in ClinVar:

ClinVar aggregate classification (germline): Uncertain significance (1 of 4 stars; one submission).

Submission:

Labcorp Genetics (formerly Invitae), Labcorp
Classification: Uncertain significance. Last evaluated: 2025-12-31. Review status: criteria provided, single submitter. Criteria: Invitae Variant Classification Sherloc (09022015). Collection method: clinical testing. Allele origin: germline.
Comment: This sequence change is expected to alter the c-terminus of the SLC51B protein (p.Asp122Metfs*21). While this is not anticipated to result in nonsense mediated decay, it is expected to disrupt the last 7 amino acid(s) of the SLC51B protein and extend the protein by 13 additional amino acid residues. This variant is not present in population databases (gnomAD no frequency). This variant has not been reported in the literature in individuals affected with SLC51B-related conditions. Experimental studies and prediction algorithms are not available or were not evaluated, and the functional significance of this variant is currently unknown. In summary, the available evidence is currently insufficient to determine the role of this variant in disease. Therefore, it has been classified as a Variant of Uncertain Significance.

NM_178859.4(SLC51B):c.364del (p.Asp122fs)

Genes: RASL12 (RAS like family 12; minus strand), SLC51B (SLC51 subunit beta; plus strand). Cytogenetic location: 15q22.31.
Variant type: Deletion.
Coding change: c.364del on transcript NM_178859.4 (MANE Select); coding-DNA position 364, one base deleted (G; older notation c.364delG).
Protein change: p.Asp122fs; shifts the reading frame from aspartic acid 122.
Molecular consequence: frameshift variant.
Genome position (GRCh38, 1-based): chr15:65,053,141, G deleted; the last of 2 consecutive G bases (chr15:65,053,140-65,053,141); deleting either gives the same sequence. VCF-style (leftmost placement, unchanged base first): chr15-65053139-CG-C. GRCh37 (hg19) VCF-style: chr15-65345477-CG-C.
Other names: short protein forms D122fs.
Identifiers: ClinVar variation 4748174 (VCV004748174.1).